The following is an entry in ClinVar:

ClinVar aggregate classification (germline): Conflicting classifications of pathogenicity. Review status: criteria provided, conflicting classifications (1 of 4 stars). 4 submissions from 4 submitters: Uncertain significance (3); Likely benign (1). Last evaluated 2025-10-01.

Conditions:
Dilated cardiomyopathy 1AA (CMD1AA). Also called: Cardiomyopathy, dilated, 1AA, with or without LVNC; CARDIOMYOPATHY, DILATED, 1AA, WITH OR WITHOUT LEFT VENTRICULAR NONCOMPACTION; CARDIOMYOPATHY, FAMILIAL HYPERTROPHIC, 23, WITH OR WITHOUT LEFT VENTRICULAR NONCOMPACTION. Identifiers: Orphanet 154, MedGen C2677338, MONDO:0012808, OMIM 612158.
Myopathy, congenital, with structured cores and z-line abnormalities. Also called: CONGENITAL MYOPATHY 8; MULTIPLE STRUCTURED CORE DISEASE. Identifiers: MedGen C5231445, MONDO:0032852, OMIM 618654.
Myopathy, distal, 6, adult-onset, autosomal dominant. Identifiers: MedGen C5203349, MONDO:0032853, OMIM 618655.
Cardiovascular phenotype. Identifiers: MedGen CN230736.
Primary familial hypertrophic cardiomyopathy (HCM). Identifiers: Orphanet 99739, MedGen C0949658, MeSH D024741, MONDO:0024573. Inheritance: Various modes of inheritance.

Allele frequency attached by ClinVar (database versions not stated): gnomAD 0.00003; gnomAD exomes 0.00003; ExAC 0.00005; TOPMed 0.00006; ESP Exome Variant Server 0.00008.
gnomAD v4.1: 23 of 1,614,032 alleles (0.0014%); highest among the groups gnomAD compares: African/African-American, 0.012%; no homozygotes.

Submissions (4):

Labcorp Genetics (formerly Invitae), Labcorp
Classification: Likely benign for Primary familial hypertrophic cardiomyopathy; Dilated cardiomyopathy 1AA. Last evaluated: 2025-10-01. Review status: criteria provided, single submitter. Criteria: Invitae Variant Classification Sherloc (09022015). Collection method: clinical testing. Allele origin: germline.

Ambry Genetics
Classification: Uncertain significance for Cardiovascular phenotype. Last evaluated: 2024-02-22. Review status: criteria provided, single submitter. Criteria: Ambry Variant Classification Scheme 2023. Collection method: clinical testing. Allele origin: germline.
Comment: The p.P856L variant (also known as c.2567C>T), located in coding exon 21 of the ACTN2 gene, results from a C to T substitution at nucleotide position 2567. The proline at codon 856 is replaced by leucine, an amino acid with similar properties. This amino acid position is highly conserved in available vertebrate species. In addition, this alteration is predicted to be deleterious by in silico analysis. Since supporting evidence is limited at this time, the clinical significance of this alteration remains unclear.

GeneDx
Classification: Uncertain significance. Last evaluated: 2023-05-09. Review status: criteria provided, single submitter. Criteria: GeneDx Variant Classification Process June 2021. Collection method: clinical testing. Allele origin: germline. Affected: yes.
Comment: Identified in a patient with DCM and heart failure who also harbored a second missense variant in the ACTN2 gene (Haskell et al., 2017); In silico analysis supports that this missense variant has a deleterious effect on protein structure/function; This variant is associated with the following publications: (PMID: 28611029)

Fulgent Genetics
Classification: Uncertain significance for Dilated cardiomyopathy 1AA; Myopathy, congenital, with structured cores and z-line abnormalities; Myopathy, distal, 6, adult-onset, autosomal dominant. Last evaluated: 2021-10-13. Review status: criteria provided, single submitter. Criteria: ACMG Guidelines, 2015. Collection method: clinical testing. Allele origin: unknown.

NM_001103.4(ACTN2):c.2567C>T (p.Pro856Leu)

Gene: ACTN2 (actinin alpha 2; plus strand). Cytogenetic location: 1q43.
Variant type: single nucleotide variant.
Coding change: c.2567C>T on transcript NM_001103.4 (MANE Select); coding-DNA position 2567, C replaced by T.
Protein change: p.Pro856Leu; replaces proline 856 with leucine.
Molecular consequence: missense variant.
Genome position (GRCh38, 1-based): chr1:236,762,501, C>T. VCF-style: chr1-236762501-C-T. GRCh37 (hg19) VCF-style: chr1-236925801-C-T.
Other names: p.P856L:CCG>CTG; c.2567C>T, p.Pro856Leu (NM_001278343.2); c.1943C>T, p.Pro648Leu (NM_001278344.2); short protein forms P856L, P648L.
Identifiers: ClinVar variation 201649 (VCV000201649.17), dbSNP rs375588211, ClinGen allele CA335047.